The following is an entry in ClinVar:

ClinVar aggregate classification (germline): Uncertain significance. Review status: criteria provided, multiple submitters, no conflicts (2 of 4 stars). 2 submissions from 2 submitters: Uncertain significance (2). Last evaluated 2025-06-26.

Conditions:
Hereditary cancer-predisposing syndrome. Also called: Hereditary Cancer Syndrome; Tumor predisposition; Neoplastic Syndromes, Hereditary; Hereditary neoplastic syndrome. Identifiers: Orphanet 140162, MedGen C0027672, MeSH D009386, MONDO:0015356.
Gorlin syndrome. Also called: Basal cell nevus syndrome; Nevoid Basal Cell Carcinoma Syndrome. Identifiers: Orphanet 377, MedGen C0004779, MONDO:0007187.

gnomAD v4.1: 3 of 1,613,068 alleles (0.00019%); no homozygotes.

Submissions (2):

Ambry Genetics
Classification: Uncertain significance for Hereditary cancer-predisposing syndrome. Last evaluated: 2025-06-26. Review status: criteria provided, single submitter. Criteria: Ambry Variant Classification Scheme 2023. Collection method: clinical testing. Allele origin: germline.
Comment: The p.A1322V variant (also known as c.3965C>T), located in coding exon 23 of the PTCH1 gene, results from a C to T substitution at nucleotide position 3965. The alanine at codon 1322 is replaced by valine, an amino acid with similar properties. This amino acid position is highly conserved in available vertebrate species. In addition, this alteration is predicted to be deleterious by in silico analysis. Since supporting evidence is limited at this time, the clinical significance of this alteration remains unclear.

Labcorp Genetics (formerly Invitae), Labcorp
Classification: Uncertain significance for Gorlin syndrome. Last evaluated: 2025-05-26. Review status: criteria provided, single submitter. Criteria: Invitae Variant Classification Sherloc (09022015). Collection method: clinical testing. Allele origin: germline.
Comment: This sequence change replaces alanine, which is neutral and non-polar, with valine, which is neutral and non-polar, at codon 1322 of the PTCH1 protein (p.Ala1322Val). This variant is not present in population databases (gnomAD no frequency). This variant has not been reported in the literature in individuals affected with PTCH1-related conditions. ClinVar contains an entry for this variant (Variation ID: 652914). Invitae Evidence Modeling of protein sequence and biophysical properties (such as structural, functional, and spatial information, amino acid conservation, physicochemical variation, residue mobility, and thermodynamic stability) indicates that this missense variant is not expected to disrupt PTCH1 protein function with a negative predictive value of 95%. In summary, the available evidence is currently insufficient to determine the role of this variant in disease. Therefore, it has been classified as a Variant of Uncertain Significance.

NM_000264.5(PTCH1):c.3965C>T (p.Ala1322Val)

Gene: PTCH1 (patched 1; minus strand). Cytogenetic location: 9q22.32.
Variant type: single nucleotide variant.
Coding change: c.3965C>T on transcript NM_000264.5 (MANE Select); coding-DNA position 3965, C replaced by T.
Protein change: p.Ala1322Val; replaces alanine 1322 with valine.
Molecular consequence: missense variant. On other transcripts: non-coding transcript variant (1).
Genome position (GRCh38, 1-based): chr9:95,447,291, G>A on the plus strand (C>T on the coding strand, the complement: PTCH1 is on the minus strand). VCF-style: chr9-95447291-G-A. GRCh37 (hg19) VCF-style: chr9-98209573-G-A.
Other names: c.3767C>T, p.Ala1256Val (NM_001083602.3); c.3962C>T, p.Ala1321Val (NM_001083603.3); c.3512C>T, p.Ala1171Val (NM_001083604.3, NM_001083605.3, NM_001083606.3 and 1 more transcripts); c.3809C>T, p.Ala1270Val (NM_001354918.2); short protein forms A1171V, A1256V, A1322V, A1270V, A1321V.
Identifiers: ClinVar variation 652914 (VCV000652914.12), dbSNP rs1054532927, ClinGen allele CA196558287.
Genomic context (GRCh38, chr9:95,447,291, plus strand): 5'-CGAGGGCCCCAGCGGGCCCTATTGCTAGGGCCAGAATGCCCTTCAGTAGAAATTTCAAAA[G>A]CGTCTCTGCGCGGTCTGTAGGGGGGTGGCCACAAGCCTTCTCTGGGGGGGTCCCTGCGGG-3'
Protein context (NP_000255.2, residues 1312-1332): WPPPYRPRRD[Ala1322Val]FEISTEGHSG